The following is an entry in ClinVar:

NM_014975.3(MAST1):c.2886T>G (p.Ser962Arg)

Gene: MAST1 (microtubule associated serine/threonine kinase 1; plus strand). Cytogenetic location: 19p13.13.
Variant type: single nucleotide variant.
Coding change: c.2886T>G on transcript NM_014975.3 (MANE Select); coding-DNA position 2886, T replaced by G.
Protein change: p.Ser962Arg; replaces serine 962 with arginine.
Molecular consequence: missense variant.
Genome position (GRCh38, 1-based): chr19:12,869,178, T>G. VCF-style: chr19-12869178-T-G. GRCh37 (hg19) VCF-style: chr19-12979992-T-G.
Other names: short protein forms S962R.
Identifiers: ClinVar variation 3123766 (VCV003123766.3), dbSNP rs754024447, ClinGen allele CA9233262.

ClinVar aggregate classification (germline): Uncertain significance. Review status: criteria provided, multiple submitters, no conflicts (2 of 4 stars). 2 submissions from 2 submitters: Uncertain significance (2). Last evaluated 2025-12-08.

Conditions:
Inborn genetic diseases. Identifiers: MedGen C0950123, MeSH D030342.

Allele frequency attached by ClinVar (database versions not stated): ExAC 0.00001; gnomAD exomes 0.00001; gnomAD 0.00003; TOPMed 0.00009.

Submissions (2):

Labcorp Genetics (formerly Invitae), Labcorp
Classification: Uncertain significance. Last evaluated: 2025-12-08. Review status: criteria provided, single submitter. Criteria: Invitae Variant Classification Sherloc (09022015). Collection method: clinical testing. Allele origin: germline.
Comment: This sequence change replaces serine, which is neutral and polar, with arginine, which is basic and polar, at codon 962 of the MAST1 protein (p.Ser962Arg). This variant is present in population databases (rs754024447, gnomAD 0.01%). This missense change has been observed in individual(s) with clinical features of MAST1-related conditions (PMID: 33057194, 35982159). ClinVar contains an entry for this variant (Variation ID: 3123766). An algorithm developed to predict the effect of missense changes on protein structure and function (PolyPhen-2) suggests that this variant is likely to be tolerated. In summary, the available evidence is currently insufficient to determine the role of this variant in disease. Therefore, it has been classified as a Variant of Uncertain Significance.

Ambry Genetics
Classification: Uncertain significance for Inborn genetic diseases. Last evaluated: 2024-01-30. Review status: criteria provided, single submitter. Criteria: Ambry Variant Classification Scheme 2023. Collection method: clinical testing. Allele origin: germline.

Literature cited by the submitters: PubMed 33057194 (cited by Labcorp Genetics (formerly Invitae), Labcorp); PubMed 35982159 (cited by Labcorp Genetics (formerly Invitae), Labcorp).